The following is an entry in ClinVar:

NM_138694.4(PKHD1):c.2889_2890insA (p.Val964fs)

Gene: PKHD1 (PKHD1 ciliary IPT domain containing fibrocystin/polyductin; minus strand). Cytogenetic location: 6p12.2.
Variant type: Insertion.
Coding change: c.2889_2890insA on transcript NM_138694.4 (MANE Select); coding-DNA positions 2889 to 2890, A inserted.
Protein change: p.Val964fs; shifts the reading frame from valine 964.
Molecular consequence: frameshift variant.
Genome position: GRCh38 VCF-style: chr6-52043066-C-CT. GRCh37 (hg19) VCF-style: chr6-51907864-C-CT.
Other names: c.2889_2890insA, p.Val964fs (NM_170724.3); short protein forms V964fs.
Identifiers: ClinVar variation 5011421 (VCV005011421.1).

ClinVar aggregate classification (germline): Pathogenic (1 of 4 stars; one submission).

Conditions:
Polycystic kidney disease 4 (PKD4). Also called: POLYCYSTIC KIDNEY AND HEPATIC DISEASE 1; POLYCYSTIC KIDNEY DISEASE, INFANTILE, TYPE I; POLYCYSTIC KIDNEY DISEASE 4 WITH OR WITHOUT POLYCYSTIC LIVER DISEASE; PKD3; Autosomal Recessive Polycystic Kidney Disease – PKHD1. Identifiers: MedGen C4540575, MONDO:0033004, OMIM 263200.

Submission:

Myriad Genetics, Inc.
Classification: Pathogenic for Polycystic kidney disease 4. Last evaluated: 2023-08-21. Review status: criteria provided, single submitter. Criteria: Myriad Autosomal Dominant, Autosomal Recessive and X-Linked Classification Criteria (2023). Collection method: clinical testing. Allele origin: unknown.
Comment: NM_138694.3(PKHD1):c.2889_2890insA(V964Sfs*57) is expected to be pathogenic in the context of autosomal recessive polycystic kidney disease, PKHD1-related. This variant is predicted to lead to an abnormal or absent protein product due to the creation of a premature termination codon in PKHD1, a gene where loss-of-function variants are known to be pathogenic. Please note: this variant was assessed in the context of healthy population screening.